The following is an entry in ClinVar:

NM_018979.4(WNK1):c.4878G>C (p.Leu1626Phe)

Gene: WNK1 (WNK lysine deficient protein kinase 1; plus strand). Cytogenetic location: 12p13.33.
Variant type: single nucleotide variant.
Coding change: c.4878G>C on transcript NM_018979.4 (MANE Select); coding-DNA position 4878, G replaced by C.
Protein change: p.Leu1626Phe; replaces leucine 1626 with phenylalanine.
Molecular consequence: missense variant.
Genome position (GRCh38, 1-based): chr12:885,682, G>C. VCF-style: chr12-885682-G-C. GRCh37 (hg19) VCF-style: chr12-994848-G-C.
Other names: c.5658G>C, p.Leu1886Phe (NM_001184985.2); c.4137G>C, p.Leu1379Phe (NM_014823.3); c.5634G>C, p.Leu1878Phe (NM_213655.5); short protein forms L1886F, L1626F, L1379F, L1878F.
Identifiers: ClinVar variation 1508295 (VCV001508295.7), dbSNP rs748898332, ClinGen allele CA6383041.

ClinVar aggregate classification (germline): Uncertain significance. Review status: criteria provided, multiple submitters, no conflicts (2 of 4 stars). 2 submissions from 2 submitters: Uncertain significance (2). Last evaluated 2024-09-05.

Conditions:
Neuropathy, hereditary sensory and autonomic, type 2A (HSAN2A). Also called: HSAN IIA; ACROOSTEOLYSIS, GIACCAI TYPE; ACROOSTEOLYSIS, NEUROGENIC; MORVAN DISEASE; NEUROPATHY, CONGENITAL SENSORY; NEUROPATHY, HEREDITARY SENSORY RADICULAR, AUTOSOMAL RECESSIVE. Identifiers: Orphanet 970, MedGen C2752089, MONDO:0024309, OMIM 201300.
Pseudohypoaldosteronism type 2C (PHA2C). Also called: Pseudohypoaldosteronism Type IIC. Identifiers: Orphanet 757, Orphanet 88940, MedGen C1840391, MONDO:0013778, OMIM 614492.

Allele frequency attached by ClinVar (database versions not stated): gnomAD exomes 0.00001; gnomAD 0.00006; TOPMed 0.00007; ExAC 0.00001.

Submissions (2):

Labcorp Genetics (formerly Invitae), Labcorp
Classification: Uncertain significance for Neuropathy, hereditary sensory and autonomic, type 2A; Pseudohypoaldosteronism type 2C. Last evaluated: 2024-09-05. Review status: criteria provided, single submitter. Criteria: Invitae Variant Classification Sherloc (09022015). Collection method: clinical testing. Allele origin: germline.
Comment: This sequence change replaces leucine, which is neutral and non-polar, with phenylalanine, which is neutral and non-polar, at codon 1878 of the WNK1 protein (p.Leu1878Phe). This variant is present in population databases (rs748898332, gnomAD 0.02%). This variant has not been reported in the literature in individuals affected with WNK1-related conditions. ClinVar contains an entry for this variant (Variation ID: 1508295). Invitae Evidence Modeling of protein sequence and biophysical properties (such as structural, functional, and spatial information, amino acid conservation, physicochemical variation, residue mobility, and thermodynamic stability) indicates that this missense variant is not expected to disrupt WNK1 protein function with a negative predictive value of 95%. In summary, the available evidence is currently insufficient to determine the role of this variant in disease. Therefore, it has been classified as a Variant of Uncertain Significance.

Fulgent Genetics
Classification: Uncertain significance for Neuropathy, hereditary sensory and autonomic, type 2A; Pseudohypoaldosteronism type 2C. Last evaluated: 2021-12-27. Review status: criteria provided, single submitter. Criteria: ACMG Guidelines, 2015. Collection method: clinical testing. Allele origin: unknown.